The following is an entry in ClinVar:

NM_177438.3(DICER1):c.2916T>G (p.Tyr972Ter)

Gene: DICER1 (dicer 1, ribonuclease III; minus strand). Cytogenetic location: 14q32.13.
Variant type: single nucleotide variant.
Coding change: c.2916T>G on transcript NM_177438.3 (MANE Select); coding-DNA position 2916, T replaced by G.
Protein change: p.Tyr972Ter; replaces tyrosine 972 with a stop codon.
Molecular consequence: nonsense.
Genome position (GRCh38, 1-based): chr14:95,106,112, A>C on the plus strand (T>G on the coding strand, the complement: DICER1 is on the minus strand). VCF-style: chr14-95106112-A-C. GRCh37 (hg19) VCF-style: chr14-95572449-A-C.
Other names: c.2916T>G, p.Tyr972Ter (NM_001195573.1, NM_001271282.3, NM_001291628.2 and 1 more transcripts); short protein forms Y972*.
Identifiers: ClinVar variation 1454469 (VCV001454469.7), dbSNP rs1488644936, ClinGen allele CA390878958.

ClinVar aggregate classification (germline): Pathogenic (1 of 4 stars; one submission).

Conditions:
DICER1-related tumor predisposition. Also called: DICER1 syndrome; DICER1-related pleuropulmonary blastoma cancer predisposition syndrome. Identifiers: Orphanet 284343, MedGen C3839822, MONDO:0100216.

Submission:

Labcorp Genetics (formerly Invitae), Labcorp
Classification: Pathogenic for DICER1-related tumor predisposition. Last evaluated: 2021-10-19. Review status: criteria provided, single submitter. Criteria: Invitae Variant Classification Sherloc (09022015). Collection method: clinical testing. Allele origin: germline.
Comment: For these reasons, this variant has been classified as Pathogenic. This variant has not been reported in the literature in individuals affected with DICER1-related conditions. This variant is not present in population databases (ExAC no frequency). This sequence change creates a premature translational stop signal (p.Tyr972*) in the DICER1 gene. It is expected to result in an absent or disrupted protein product. Loss-of-function variants in DICER1 are known to be pathogenic (PMID: 19556464, 21266384).

Literature cited by the submitters: PubMed 19556464; PubMed 21266384.